The following is an entry in ClinVar:

ClinVar aggregate classification (germline): Benign/Likely benign. Review status: criteria provided, multiple submitters, no conflicts (2 of 4 stars). 3 submissions from 3 submitters: Benign (1); Likely benign (2). Last evaluated 2018-07-09.

Conditions:
Autosomal recessive nonsyndromic hearing loss 9. Also called: Deafness, autosomal recessive 9; NEUROSENSORY NONSYNDROMIC RECESSIVE DEAFNESS 9; OTOF-Related Hearing Loss; AUDITORY NEUROPATHY, AUTOSOMAL RECESSIVE, 1, TEMPERATURE-SENSITIVE. Identifiers: Orphanet 90636, MedGen C1832828, MONDO:0010986, OMIM 601071.

Allele frequency attached by ClinVar (database versions not stated): gnomAD exomes 0.00168; gnomAD 0.01481 and 0.01603; 1000 Genomes Project 30x 0.01655; 1000 Genomes Project 0.01657; TOPMed 0.01695.
gnomAD v4.1: 4,318 of 1,315,798 alleles (0.33%); highest among the groups gnomAD compares: African/African-American, 5.2%; 98 homozygotes.

Submissions (3):

GeneDx
Classification: Benign. Last evaluated: 2018-07-09. Review status: criteria provided, single submitter. Criteria: GeneDx Variant Classification Process June 2021. Collection method: clinical testing. Allele origin: germline. Affected: yes.

Illumina Laboratory Services, Illumina
Classification: Likely benign for Autosomal recessive nonsyndromic hearing loss 9. Last evaluated: 2018-01-12. Review status: criteria provided, single submitter. Criteria: ICSL Variant Classification Criteria 13 December 2019. Collection method: clinical testing. Allele origin: germline.
Comment: This variant was observed in the ICSL laboratory as part of a predisposition screen in an ostensibly healthy population. It had not been previously curated by ICSL or reported in the Human Gene Mutation Database (HGMD: prior to June 1st, 2018), and was therefore a candidate for classification through an automated scoring system. Utilizing variant allele frequency, disease prevalence and penetrance estimates, and inheritance mode, an automated score was calculated to assess if this variant is too frequent to cause the disease. Based on the score and internal cut-off values, a variant classified as likely benign is not then subjected to further curation. The score for this variant resulted in a classification of likely benign for this disease.

Breakthrough Genomics
Classification: Likely benign. Review status: criteria provided, single submitter. Criteria: ACMG Guidelines, 2015. Collection method: not provided. Allele origin: germline. Inheritance: Autosomal recessive inheritance. Affected: yes.

NM_194248.3(OTOF):c.-67G>A

Gene: OTOF (otoferlin; minus strand). Cytogenetic location: 2p23.3.
Variant type: single nucleotide variant.
Coding change: c.-67G>A on transcript NM_194248.3 (MANE Select); 67 bases upstream of the start codon, G replaced by A.
Molecular consequence: 5 prime UTR variant.
Genome position (GRCh38, 1-based): chr2:26,558,638, C>T on the plus strand (G>A on the coding strand, the complement: OTOF is on the minus strand). VCF-style: chr2-26558638-C-T. GRCh37 (hg19) VCF-style: chr2-26781506-C-T.
Other names: c.-67G>A (NM_001287489.2).
Identifiers: ClinVar variation 335467 (VCV000335467.9), dbSNP rs13422586, ClinGen allele CA10614870.